The following is an entry in ClinVar:

ClinVar aggregate classification (germline): Likely benign (1 of 4 stars; one submission).

Allele frequency attached by ClinVar (database versions not stated): 1000 Genomes Project 0.00379; TOPMed 0.00414; ExAC 0.00447; gnomAD 0.00460; 1000 Genomes Project 30x 0.00468; ESP Exome Variant Server 0.00507; gnomAD exomes 0.00610.

Submissions (8):

CeGaT Center for Human Genetics Tuebingen
Classification: Likely benign. Last evaluated: 2025-04-01. Review status: criteria provided, single submitter. Criteria: CeGaT Center For Human Genetics Tuebingen Variant Classification Criteria Version 2. Collection method: clinical testing. Allele origin: germline. Affected: yes. Observed: 3 variant alleles.
Comment: IL17RB: BP4, BS2

Dr. Peter K. Rogan Lab, Western University
No classification provided (evidence only). Condition: Clear cell carcinoma of kidney. Review status: no classification provided. Collection method: in vitro. Allele origin: not applicable. Functional consequence: skipped exon. Not counted in ClinVar's aggregate classification.

Dr. Peter K. Rogan Lab, Western University
No classification provided (evidence only). Condition: Colon adenocarcinoma. Review status: no classification provided. Collection method: in vitro. Allele origin: not applicable. Functional consequence: skipped exon, retained intron. Not counted in ClinVar's aggregate classification.

Dr. Peter K. Rogan Lab, Western University
No classification provided (evidence only). Condition: Thyroid cancer, nonmedullary, 1. Review status: no classification provided. Collection method: in vitro. Allele origin: not applicable. Functional consequence: skipped exon. Not counted in ClinVar's aggregate classification.

Dr. Peter K. Rogan Lab, Western University
No classification provided (evidence only). Condition: Uterine corpus endometrial carcinoma. Review status: no classification provided. Collection method: in vitro. Allele origin: not applicable. Functional consequence: skipped exon, retained intron. Not counted in ClinVar's aggregate classification.

Dr. Peter K. Rogan Lab, Western University
No classification provided (evidence only). Condition: Hepatocellular carcinoma. Review status: no classification provided. Collection method: in vitro. Allele origin: not applicable. Functional consequence: skipped exon. Not counted in ClinVar's aggregate classification.

Dr. Peter K. Rogan Lab, Western University
No classification provided (evidence only). Condition: Ovarian serous cystadenocarcinoma. Review status: no classification provided. Collection method: in vitro. Allele origin: not applicable. Functional consequence: skipped exon. Not counted in ClinVar's aggregate classification.

Dr. Peter K. Rogan Lab, Western University
No classification provided (evidence only). Condition: Gastric cancer. Review status: no classification provided. Collection method: in vitro. Allele origin: not applicable. Functional consequence: skipped exon, retained intron. Not counted in ClinVar's aggregate classification.

NM_018725.4(IL17RB):c.529G>A (p.Gly177Arg)

Gene: IL17RB (interleukin 17 receptor B; plus strand). Cytogenetic location: 3p21.1.
Variant type: single nucleotide variant.
Coding change: c.529G>A on transcript NM_018725.4 (MANE Select); coding-DNA position 529, G replaced by A.
Protein change: p.Gly177Arg; replaces glycine 177 with arginine.
Molecular consequence: missense variant.
Genome position (GRCh38, 1-based): chr3:53,855,341, G>A. VCF-style: chr3-53855341-G-A. GRCh37 (hg19) VCF-style: chr3-53889368-G-A.
Other names: NC_000003.11:g.53889368G>A; short protein forms G177R.
Identifiers: ClinVar variation 3250527 (VCV003250527.19), dbSNP rs2232337.